The following is an entry in ClinVar:

ClinVar aggregate classification (germline): Uncertain significance (1 of 4 stars; one submission).

Submission:

Labcorp Genetics (formerly Invitae), Labcorp
Classification: Uncertain significance. Last evaluated: 2022-08-23. Review status: criteria provided, single submitter. Criteria: Invitae Variant Classification Sherloc (09022015). Collection method: clinical testing. Allele origin: germline.
Comment: In summary, the available evidence is currently insufficient to determine the role of this variant in disease. Therefore, it has been classified as a Variant of Uncertain Significance. Algorithms developed to predict the effect of missense changes on protein structure and function are either unavailable or do not agree on the potential impact of this missense change (SIFT: "Deleterious"; PolyPhen-2: "Probably Damaging"; Align-GVGD: "Class C0"). This variant has not been reported in the literature in individuals affected with ASPM-related conditions. This variant is not present in population databases (gnomAD no frequency). This sequence change replaces serine, which is neutral and polar, with tyrosine, which is neutral and polar, at codon 1185 of the ASPM protein (p.Ser1185Tyr).

NM_018136.5(ASPM):c.3554C>A (p.Ser1185Tyr)

Gene: ASPM (assembly factor for spindle microtubules; minus strand). Cytogenetic location: 1q31.3.
Variant type: single nucleotide variant.
Coding change: c.3554C>A on transcript NM_018136.5 (MANE Select); coding-DNA position 3554, C replaced by A.
Protein change: p.Ser1185Tyr; replaces serine 1185 with tyrosine.
Molecular consequence: missense variant.
Genome position (GRCh38, 1-based): chr1:197,122,432, G>T on the plus strand (C>A on the coding strand, the complement: ASPM is on the minus strand). VCF-style: chr1-197122432-G-T. GRCh37 (hg19) VCF-style: chr1-197091562-G-T.
Other names: c.3554C>A, p.Ser1185Tyr (NM_001206846.2); short protein forms S1185Y.
Identifiers: ClinVar variation 2082222 (VCV002082222.4), dbSNP rs1657940861, ClinGen allele CA344040181.